The following is an entry in ClinVar:

ClinVar aggregate classification (germline): Pathogenic/Likely pathogenic. Review status: criteria provided, multiple submitters, no conflicts (2 of 4 stars). 5 submissions from 5 submitters: Pathogenic (4); Likely pathogenic (1). Last evaluated 2025-04-21.

Conditions:
CFTR-related disorder (CFTR-RD). Also called: CFTR-related disorders; CFTR-related condition. Identifiers: MedGen C5924204, MONDO:7770004.
Cystic fibrosis (CF). Also called: MUCOVISCIDOSIS. Identifiers: Orphanet 586, MedGen C0010674, MONDO:0009061, OMIM 219700. Disease mechanism: loss of function.

Submissions (5):

Natera, Inc.
Classification: Likely pathogenic for CFTR-related disorders. Last evaluated: 2025-04-21. Review status: criteria provided, single submitter. Criteria: Natera Variant Classification Schema (03/2026). Collection method: clinical testing. Allele origin: germline.
Comment: The c.3011delC variant in CFTR is a frameshift variant predicted to shift the reading frame beginning at codon 1004 and leads to a stop codon 2 codons downstream. This variant may result in a truncated or dysfunctional protein product. This variant is rare in the general population with a frequency below the threshold expected for the associated phenotype(s). Given the available evidence, this variant is classified as Likely Pathogenic.

Labcorp Genetics (formerly Invitae), Labcorp
Classification: Pathogenic for Cystic fibrosis. Last evaluated: 2023-08-04. Review status: criteria provided, single submitter. Criteria: Invitae Variant Classification Sherloc (09022015). Collection method: clinical testing. Allele origin: germline.
Comment: ClinVar contains an entry for this variant (Variation ID: 618911). For these reasons, this variant has been classified as Pathogenic. This variant has not been reported in the literature in individuals affected with CFTR-related conditions. This sequence change creates a premature translational stop signal (p.Ala1004Valfs*2) in the CFTR gene. It is expected to result in an absent or disrupted protein product. Loss-of-function variants in CFTR are known to be pathogenic (PMID: 1695717, 7691345, 9725922). This variant is not present in population databases (gnomAD no frequency).

Women's Health and Genetics/Laboratory Corporation of America, LabCorp
Classification: Pathogenic for Cystic fibrosis. Last evaluated: 2023-07-31. Review status: criteria provided, single submitter. Criteria: LabCorp Variant Classification Summary - May 2015. Collection method: clinical testing. Allele origin: germline.
Comment: Variant summary: CFTR c.3011delC (p.Ala1004ValfsX2) results in a premature termination codon, predicted to cause a truncation of the encoded protein or absence of the protein due to nonsense mediated decay, which are commonly known mechanisms for disease. The variant was absent in 251128 control chromosomes (gnomAD). c.3011delC has been reported in the literature in individuals affected with Cystic Fibrosis (e.g., da Silva Filho_2021). These data indicate that the variant is very likely be associated with disease. To our knowledge, no experimental evidence demonstrating an impact on protein function has been reported. The following publication was ascertained in the context of this evaluation (PMID: 32819855). Two submitters have reported clinical-significance assessments for this variant to ClinVar after 2014. All submitters classified the variant as pathogenic. Based on the evidence outlined above, the variant was classified as pathogenic.

Mendelics
Classification: Pathogenic for Cystic fibrosis. Last evaluated: 2018-11-05. Review status: criteria provided, single submitter. Criteria: Mendelics Assertion Criteria 2017. Collection method: clinical testing. Allele origin: unknown. Affected: yes.

CFTR-France
Classification: Pathogenic for cystic fibrosis. Last evaluated: 2018-01-29. Review status: criteria provided, single submitter. Criteria: Claustres M et al. (Hum Mutat 2017). Collection method: curation. Allele origin: germline. Affected: yes.

Literature cited by the submitters: PubMed 1695717 (cited by Labcorp Genetics (formerly Invitae), Labcorp); PubMed 7691345 (cited by Labcorp Genetics (formerly Invitae), Labcorp); PubMed 9725922 (cited by Labcorp Genetics (formerly Invitae), Labcorp); PubMed 32819855 (cited by Women's Health and Genetics/Laboratory Corporation of America, LabCorp).

NM_000492.4(CFTR):c.3011del (p.Ala1004fs)

Genes: CFTR (CF transmembrane conductance regulator; plus strand), CFTR-AS2 (CFTR antisense RNA 2; minus strand), LOC111674472 (DNase I hypersensitive sites in introns 16 and 17a of CFTR; plus strand). Cytogenetic location: 7q31.2.
Variant type: Deletion.
Coding change: c.3011del on transcript NM_000492.4 (MANE Select); coding-DNA position 3011, one base deleted (C; older notation c.3011delC).
Protein change: p.Ala1004fs; shifts the reading frame from alanine 1004.
Molecular consequence: frameshift variant.
Genome position (GRCh38, 1-based): chr7:117,610,541, C deleted. VCF-style (leftmost placement, unchanged base first): chr7-117610540-GC-G. GRCh37 (hg19) VCF-style: chr7-117250594-GC-G.
Other names: short protein forms A1004fs.
Identifiers: ClinVar variation 618911 (VCV000618911.8), dbSNP rs1562914082, ClinGen allele CA913189833.
Genomic context (GRCh38, chr7:117,610,540, plus strand): 5'-AAATGTTTACTCACCAACATGTTTTCTTTGATCTTACAGTTGTTATTAATTGTGATTGGA[GC>G]TATAGCAGTTGTCGCAGTTTTACAACCCTACATCTTTGTTGCAACAGTGCCAGTGATAGT-3'